The following is an entry in ClinVar:

NM_001134363.3(RBM20):c.1066A>C (p.Thr356Pro)

Gene: RBM20 (RNA binding motif protein 20; plus strand). Cytogenetic location: 10q25.2.
Variant type: single nucleotide variant.
Coding change: c.1066A>C on transcript NM_001134363.3 (MANE Select); coding-DNA position 1066, A replaced by C.
Protein change: p.Thr356Pro; replaces threonine 356 with proline.
Molecular consequence: missense variant.
Genome position (GRCh38, 1-based): chr10:110,781,675, A>C. VCF-style: chr10-110781675-A-C. GRCh37 (hg19) VCF-style: chr10-112541433-A-C.
Other names: short protein forms T356P.
Identifiers: ClinVar variation 1058668 (VCV001058668.14), dbSNP rs1021465138, ClinGen allele CA213235044.

ClinVar aggregate classification (germline): Conflicting classifications of pathogenicity. Review status: criteria provided, conflicting classifications (1 of 4 stars). 4 submissions from 4 submitters: Uncertain significance (2); Likely benign (2). Last evaluated 2025-02-10.

Conditions:
Cardiovascular phenotype. Identifiers: MedGen CN230736.
Dilated cardiomyopathy 1DD (CMD1DD). Identifiers: Orphanet 154, MedGen C2750995, MONDO:0013168, OMIM 613172.

Allele frequency attached by ClinVar (database versions not stated): gnomAD exomes 0.00001; gnomAD 0.00003; TOPMed 0.00004.
gnomAD v4.1: 11 of 1,548,934 alleles (0.00071%); highest among the groups gnomAD compares: African/African-American, 0.014%; no homozygotes.

Submissions (4):

Women's Health and Genetics/Laboratory Corporation of America, LabCorp
Classification: Likely benign. Last evaluated: 2025-02-10. Review status: criteria provided, single submitter. Criteria: LabCorp Variant Classification Summary - May 2015. Collection method: clinical testing. Allele origin: germline.
Comment: Variant summary: RBM20 c.1066A>C (p.Thr356Pro) results in a non-conservative amino acid change in the encoded protein sequence. Five of five in-silico tools predict a damaging effect of the variant on protein function. The variant allele was found at a frequency of 7.1e-06 in 1548934 control chromosomes, predominantly at a frequency of 0.00014 within the African or African-American subpopulation in the gnomAD database. The observed variant frequency within African or African-American control individuals in the gnomAD database is approximately 3-fold of the estimated maximal expected allele frequency for a pathogenic variant in RBM20 causing Dilated Cardiomyopathy phenotype (4.7e-05). To our knowledge, no occurrence of c.1066A>C in individuals affected with Dilated Cardiomyopathy and no experimental evidence demonstrating its impact on protein function have been reported. ClinVar contains an entry for this variant (Variation ID: 1058668). Based on the evidence outlined above, the variant was classified as likely benign.

Labcorp Genetics (formerly Invitae), Labcorp
Classification: Likely benign for Dilated cardiomyopathy 1DD. Last evaluated: 2024-12-10. Review status: criteria provided, single submitter. Criteria: Invitae Variant Classification Sherloc (09022015). Collection method: clinical testing. Allele origin: germline.

Fulgent Genetics
Classification: Uncertain significance for Dilated cardiomyopathy 1DD. Last evaluated: 2024-03-19. Review status: criteria provided, single submitter. Criteria: ACMG Guidelines, 2015. Collection method: clinical testing. Allele origin: germline.

Ambry Genetics
Classification: Uncertain significance for Cardiovascular phenotype. Last evaluated: 2024-02-01. Review status: criteria provided, single submitter. Criteria: Ambry Variant Classification Scheme 2023. Collection method: clinical testing. Allele origin: germline.
Comment: The p.T356P variant (also known as c.1066A>C), located in coding exon 2 of the RBM20 gene, results from an A to C substitution at nucleotide position 1066. The threonine at codon 356 is replaced by proline, an amino acid with highly similar properties. This amino acid position is highly conserved in available vertebrate species. In addition, the in silico prediction for this alteration is inconclusive. Since supporting evidence is limited at this time, the clinical significance of this alteration remains unclear.